The following is an entry in ClinVar:

ClinVar aggregate classification (germline): Pathogenic (1 of 4 stars; one submission).

Conditions:
Ataxia-telangiectasia syndrome (AT). Also called: AT, COMPLEMENTATION GROUP C; Ataxia-telangiectasia, complementation group D; ATAXIA-TELANGIECTASIA, COMPLEMENTATION GROUP A; ATAXIA-TELANGIECTASIA, FRESNO VARIANT; Ataxia-telangiectasia; Ataxia telangiectasia (A-T). Identifiers: Orphanet 100, MedGen C0004135, MONDO:0008840, OMIM 208900.

Submission:

Labcorp Genetics (formerly Invitae), Labcorp
Classification: Pathogenic for Ataxia-telangiectasia syndrome. Last evaluated: 2023-08-07. Review status: criteria provided, single submitter. Criteria: Invitae Variant Classification Sherloc (09022015). Collection method: clinical testing. Allele origin: germline.
Comment: For these reasons, this variant has been classified as Pathogenic. This variant has not been reported in the literature in individuals affected with ATM-related conditions. This variant is not present in population databases (gnomAD no frequency). This sequence change creates a premature translational stop signal (p.Tyr1442*) in the ATM gene. It is expected to result in an absent or disrupted protein product. Loss-of-function variants in ATM are known to be pathogenic (PMID: 23807571, 25614872).

Literature cited by the submitters: PubMed 23807571; PubMed 25614872.

NM_000051.4(ATM):c.4326T>A (p.Tyr1442Ter)

Gene: ATM (ATM serine/threonine kinase; plus strand). Cytogenetic location: 11q22.3.
Variant type: single nucleotide variant.
Coding change: c.4326T>A on transcript NM_000051.4 (MANE Select); coding-DNA position 4326, T replaced by A.
Protein change: p.Tyr1442Ter; replaces tyrosine 1442 with a stop codon.
Molecular consequence: nonsense.
Genome position (GRCh38, 1-based): chr11:108,289,691, T>A. VCF-style: chr11-108289691-T-A. GRCh37 (hg19) VCF-style: chr11-108160418-T-A.
Other names: c.4326T>A, p.Tyr1442Ter (NM_001351834.2); short protein forms Y1442*.
Identifiers: ClinVar variation 2750812 (VCV002750812.3), dbSNP rs2546909512, ClinGen allele CA382531864.
Genomic context (GRCh38, chr11:108,289,691, plus strand): 5'-ATGTGAGCAAGCAGCTGAAACAAATAATGTTTATAAGAAGCACAGAATTCTTAAAATATA[T>A]CACCTGTTTGTTAGTTTATTACTGAAAGATATAAAAAGTGGCTTAGGAGGAGCTTGGGCC-3'